The following is an entry in ClinVar:

ClinVar aggregate classification (germline): Conflicting classifications of pathogenicity. Review status: criteria provided, conflicting classifications (1 of 4 stars). 2 submissions from 2 submitters: Likely pathogenic (1); Uncertain significance (1). Last evaluated 2024-02-25.

Conditions:
Phenylketonuria (PKU). Also called: FOLLING DISEASE; OLIGOPHRENIA PHENYLPYRUVICA; Phenylketonuria (PKU); Phenylketonurias. Identifiers: Orphanet 716, MedGen C0031485, MONDO:0009861, OMIM 261600. Disease mechanism: loss of function.

Allele frequency attached by ClinVar (database versions not stated): TOPMed below 0.00001; gnomAD 0.00001; ESP Exome Variant Server 0.00008.
gnomAD v4.1: 1 of 1,612,390 alleles (0.000062%); highest among the groups gnomAD compares: African/African-American, 0.0013%; no homozygotes.

Submissions (2):

Labcorp Genetics (formerly Invitae), Labcorp
Classification: Likely pathogenic for Phenylketonuria. Last evaluated: 2024-02-25. Review status: criteria provided, single submitter. Criteria: Invitae Variant Classification Sherloc (09022015). Collection method: clinical testing. Allele origin: germline.
Comment: This sequence change replaces proline, which is neutral and non-polar, with leucine, which is neutral and non-polar, at codon 119 of the PAH protein (p.Pro119Leu). This variant is present in population databases (rs374999809, gnomAD 0.007%). This missense change has been observed in individual(s) with hyperphenylalaninemia (Invitae). ClinVar contains an entry for this variant (Variation ID: 281017). Advanced modeling of protein sequence and biophysical properties (such as structural, functional, and spatial information, amino acid conservation, physicochemical variation, residue mobility, and thermodynamic stability) performed at Invitae indicates that this missense variant is not expected to disrupt PAH protein function with a negative predictive value of 80%. This variant disrupts the p.Pro119 amino acid residue in PAH. Other variant(s) that disrupt this residue have been determined to be pathogenic (PMID: 12655554, 21147011, 30389586, 31355225). This suggests that this residue is clinically significant, and that variants that disrupt this residue are likely to be disease-causing. In summary, the currently available evidence indicates that the variant is pathogenic, but additional data are needed to prove that conclusively. Therefore, this variant has been classified as Likely Pathogenic.

Eurofins Ntd Llc (ga)
Classification: Uncertain significance. Last evaluated: 2015-09-29. Review status: criteria provided, single submitter. Criteria: EGL Classification Definitions 2015. Collection method: clinical testing. Allele origin: germline. Observed: 1 variant allele, 1 heterozygote.

Literature cited by the submitters: PubMed 12655554 (cited by Labcorp Genetics (formerly Invitae), Labcorp); PubMed 21147011 (cited by Labcorp Genetics (formerly Invitae), Labcorp); PubMed 30389586 (cited by Labcorp Genetics (formerly Invitae), Labcorp); PubMed 31355225 (cited by Labcorp Genetics (formerly Invitae), Labcorp).

NM_000277.3(PAH):c.356C>T (p.Pro119Leu)

Gene: PAH (phenylalanine hydroxylase; minus strand). Cytogenetic location: 12q23.2.
Variant type: single nucleotide variant.
Coding change: c.356C>T on transcript NM_000277.3 (MANE Select); coding-DNA position 356, C replaced by T.
Protein change: p.Pro119Leu; replaces proline 119 with leucine.
Molecular consequence: missense variant.
Genome position (GRCh38, 1-based): chr12:102,877,547, G>A on the plus strand (C>T on the coding strand, the complement: PAH is on the minus strand). VCF-style: chr12-102877547-G-A. GRCh37 (hg19) VCF-style: chr12-103271325-G-A.
Other names: c.356C>T, p.Pro119Leu (NM_001354304.2); short protein forms P119L.
Identifiers: ClinVar variation 281017 (VCV000281017.9), dbSNP rs374999809, ClinGen allele CA6748965.